The following is an entry in ClinVar:

ClinVar aggregate classification (germline): Conflicting classifications of pathogenicity. Review status: criteria provided, conflicting classifications (1 of 4 stars). 2 submissions from 2 submitters: Uncertain significance (1); Likely benign (1). Last evaluated 2026-04-01.

Allele frequency attached by ClinVar (database versions not stated): gnomAD 0.00123; 1000 Genomes Project 30x 0.00219; gnomAD exomes 0.00008; ExAC 0.00014.
gnomAD v4.1: 308 of 1,609,832 alleles (0.019%); highest among the groups gnomAD compares: African/African-American, 0.36%; 13 homozygotes.

Submissions (2):

CeGaT Center for Human Genetics Tuebingen
Classification: Likely benign. Last evaluated: 2026-04-01. Review status: criteria provided, single submitter. Criteria: CeGaT Center For Human Genetics Tuebingen Variant Classification Criteria Version 2. Collection method: clinical testing. Allele origin: germline. Affected: yes. Observed: 1 variant allele.
Comment: AHNAK2: BP4

Ambry Genetics
Classification: Uncertain significance. Last evaluated: 2025-08-20. Review status: criteria provided, single submitter. Criteria: Ambry Variant Classification Scheme 2023. Collection method: clinical testing. Allele origin: germline.

NM_138420.4(AHNAK2):c.3521G>T (p.Gly1174Val)

Gene: AHNAK2 (AHNAK nucleoprotein 2; minus strand). Cytogenetic location: 14q32.33.
Variant type: single nucleotide variant.
Coding change: c.3521G>T on transcript NM_138420.4 (MANE Select); coding-DNA position 3521, G replaced by T.
Protein change: p.Gly1174Val; replaces glycine 1174 with valine.
Molecular consequence: missense variant.
Genome position (GRCh38, 1-based): chr14:104,951,930, C>A on the plus strand (G>T on the coding strand, the complement: AHNAK2 is on the minus strand). VCF-style: chr14-104951930-C-A. GRCh37 (hg19) VCF-style: chr14-105418267-C-A.
Other names: c.3221G>T, p.Gly1074Val (NM_001350929.2); short protein forms G1074V, G1174V.
Identifiers: ClinVar variation 2343055 (VCV002343055.5), dbSNP rs766113482, ClinGen allele CA7382972.
Genomic context (GRCh38, chr14:104,951,930, plus strand): 5'-TCCACTTTGGGTGCAGACACATCCACCGAGGCCTCGATGGACTTGCCTGGGGCTGACGCC[C>A]CGAACGATGGCATCTTGAACTTGGGCATTTTGAACCTGCTGTCTTTGGCAGTCACATCCT-3'
Protein context (NP_612429.2, residues 1164-1184): KMPKFKMPSF[Gly1174Val]ASAPGKSIEA